The following is an entry in ClinVar:

ClinVar aggregate classification (germline): Uncertain significance. Review status: criteria provided, single submitter (1 of 4 stars). 2 submissions from 2 submitters: Uncertain significance (1). 1 of the submissions does not count toward it. Last evaluated 2025-08-02.

Conditions:
PTPRD-related disorder. Also called: PTPRD-related condition.

Allele frequency attached by ClinVar (database versions not stated): ExAC 0.00065; gnomAD 0.00194; ESP Exome Variant Server 0.00231; 1000 Genomes Project 0.00280; 1000 Genomes Project 30x 0.00390.
gnomAD v4.1: 574 of 1,614,224 alleles (0.036%); highest among the groups gnomAD compares: African/African-American, 0.72%; 4 homozygotes.

Submissions (2):

Ambry Genetics
Classification: Uncertain significance. Last evaluated: 2025-08-02. Review status: criteria provided, single submitter. Criteria: Ambry Variant Classification Scheme 2023. Collection method: clinical testing. Allele origin: germline.

PreventionGenetics, part of Exact Sciences
Classification: Benign for PTPRD-related condition. Last evaluated: 2019-09-10. Review status: no assertion criteria provided. Collection method: clinical testing. Allele origin: germline. Not counted in ClinVar's aggregate classification.
Comment: This variant is classified as benign based on ACMG/AMP sequence variant interpretation guidelines (Richards et al. 2015 PMID: 25741868, with internal and published modifications).

NM_002839.4(PTPRD):c.2756C>A (p.Thr919Asn)

Genes: PTPRD (protein tyrosine phosphatase receptor type D; minus strand), LOC126860578 (MED14-independent group 3 enhancer GRCh37_chr9:8485393-8486592; plus strand). Cytogenetic location: 9p24.1.
Variant type: single nucleotide variant.
Coding change: c.2756C>A on transcript NM_002839.4 (MANE Select); coding-DNA position 2756, C replaced by A.
Protein change: p.Thr919Asn; replaces threonine 919 with asparagine.
Molecular consequence: missense variant. On other transcripts: intron variant (7).
Genome position (GRCh38, 1-based): chr9:8,486,061, G>T on the plus strand (C>A on the coding strand, the complement: PTPRD is on the minus strand). VCF-style: chr9-8486061-G-T. GRCh37 (hg19) VCF-style: chr9-8486061-G-T.
Other names: c.2756C>A, p.Thr919Asn (NM_001377958.1, NM_001378058.1); c.1793-737C>A (NM_001171025.2); c.1805-737C>A (NM_001377946.1); c.1814-734C>A (NM_001377947.1); c.1823-737C>A (NM_130391.4, NM_130392.3); c.1814-737C>A (NM_001040712.2); c.1805-734C>A (NM_130393.3); short protein forms T919N.
Identifiers: ClinVar variation 3039393 (VCV003039393.3), dbSNP rs73426355, ClinGen allele CA4984017.